The following is an entry in ClinVar:

NM_003052.5(SLC34A1):c.1645G>A (p.Gly549Arg)

Gene: SLC34A1 (solute carrier family 34 member 1; plus strand). Cytogenetic location: 5q35.3.
Variant type: single nucleotide variant.
Coding change: c.1645G>A on transcript NM_003052.5 (MANE Select); coding-DNA position 1645, G replaced by A.
Protein change: p.Gly549Arg; replaces glycine 549 with arginine.
Molecular consequence: missense variant.
Genome position (GRCh38, 1-based): chr5:177,398,011, G>A. VCF-style: chr5-177398011-G-A. GRCh37 (hg19) VCF-style: chr5-176825012-G-A.
Other names: c.1645G>A (NM_003052.4); short protein forms G549R.
Identifiers: ClinVar variation 1951488 (VCV001951488.4), dbSNP rs756519888, ClinGen allele CA3580853.

ClinVar aggregate classification (germline): Uncertain significance. Review status: criteria provided, multiple submitters, no conflicts (2 of 4 stars). 3 submissions from 3 submitters: Uncertain significance (2). 1 of the submissions does not count toward it. Last evaluated 2024-06-13.

Conditions:
SLC34A1-related disorder. Also called: SLC34A1-related condition; SLC34A1-related disorders.

Allele frequency attached by ClinVar (database versions not stated): ExAC 0.00001; gnomAD 0.00001; TOPMed 0.00001; gnomAD exomes 0.00002.

Submissions (3):

Blueprint Genetics
Classification: Uncertain significance. Last evaluated: 2024-06-13. Review status: criteria provided, single submitter. Criteria: ACMG Guidelines, 2015. Collection method: clinical testing. Allele origin: germline.

Labcorp Genetics (formerly Invitae), Labcorp
Classification: Uncertain significance. Last evaluated: 2022-07-21. Review status: criteria provided, single submitter. Criteria: Invitae Variant Classification Sherloc (09022015). Collection method: clinical testing. Allele origin: germline.
Comment: This sequence change replaces glycine, which is neutral and non-polar, with arginine, which is basic and polar, at codon 549 of the SLC34A1 protein (p.Gly549Arg). This variant is present in population databases (rs756519888, gnomAD 0.007%). This variant has not been reported in the literature in individuals affected with SLC34A1-related conditions. Algorithms developed to predict the effect of missense changes on protein structure and function (SIFT, PolyPhen-2, Align-GVGD) all suggest that this variant is likely to be tolerated. In summary, the available evidence is currently insufficient to determine the role of this variant in disease. Therefore, it has been classified as a Variant of Uncertain Significance.

PreventionGenetics, part of Exact Sciences
Classification: Uncertain significance for SLC34A1-related condition. Last evaluated: 2024-08-26. Review status: no assertion criteria provided. Collection method: clinical testing. Allele origin: germline. Not counted in ClinVar's aggregate classification.
Comment: The SLC34A1 c.1645G>A variant is predicted to result in the amino acid substitution p.Gly549Arg. This variant was reported in an individual with mild idiopathic infantile hypercalcemia who biallelically inherited missense variants of uncertain significance (VUS) (p.Ile533Asn from the mother and p.Gly549Arg from the father); and both heterozygous parents had asymptomatic, nonobstructive renal stones revealed by ultrasound examination, and the father also had an elevated urinary Ca:Cr ratio (Lenherr-Taube et al. 2021. PubMed ID: 34139759). In addition, this variant was also reported in a cohort study of patients with hypersensitivity to vitamin D (Molin et al. 2021. PubMed ID: 34721296). This variant is reported in 0.0062% of alleles in individuals of African descent in gnomAD. At this time, the clinical significance of this variant is uncertain due to the absence of conclusive functional and genetic evidence.